The following is an entry in ClinVar:

NM_002691.4(POLD1):c.2837T>C (p.Leu946Pro)

Gene: POLD1 (DNA polymerase delta 1, catalytic subunit; plus strand). Cytogenetic location: 19q13.33.
Variant type: single nucleotide variant.
Coding change: c.2837T>C on transcript NM_002691.4 (MANE Select); coding-DNA position 2837, T replaced by C.
Protein change: p.Leu946Pro; replaces leucine 946 with proline.
Molecular consequence: missense variant. On other transcripts: non-coding transcript variant (1).
Genome position (GRCh38, 1-based): chr19:50,416,412, T>C. VCF-style: chr19-50416412-T-C. GRCh37 (hg19) VCF-style: chr19-50919669-T-C.
Other names: c.2837T>C, p.Leu946Pro (NM_001256849.1); c.2915T>C, p.Leu972Pro (NM_001308632.1); short protein forms L972P, L946P.
Identifiers: ClinVar variation 3781406 (VCV003781406.2).

ClinVar aggregate classification (germline): Uncertain significance. Review status: criteria provided, multiple submitters, no conflicts (2 of 4 stars). 2 submissions from 2 submitters: Uncertain significance (2). Last evaluated 2026-01-12.

Conditions:
Hereditary cancer-predisposing syndrome. Also called: Neoplastic Syndromes, Hereditary; Tumor predisposition; Hereditary Cancer Syndrome; Hereditary neoplastic syndrome. Identifiers: Orphanet 140162, MedGen C0027672, MeSH D009386, MONDO:0015356.
POLD1-related polyposis and colorectal cancer syndrome (CRCS10). Also called: Colorectal cancer 10; COLORECTAL CANCER, SUSCEPTIBILITY TO, ON CHROMOSOME 19q; Colorectal cancer, susceptibility to, 10. Identifiers: Orphanet 220460, MedGen C2675481, MONDO:0012953, OMIM 612591.

Submissions (2):

Labcorp Genetics (formerly Invitae), Labcorp
Classification: Uncertain significance for POLD1-related polyposis and colorectal cancer syndrome. Last evaluated: 2026-01-12. Review status: criteria provided, single submitter. Criteria: Invitae Variant Classification Sherloc (09022015). Collection method: clinical testing. Allele origin: germline.
Comment: This sequence change replaces leucine, which is neutral and non-polar, with proline, which is neutral and non-polar, at codon 946 of the POLD1 protein (p.Leu946Pro). This variant is not present in population databases (gnomAD no frequency). This variant has not been reported in the literature in individuals affected with POLD1-related conditions. ClinVar contains an entry for this variant (Variation ID: 3781406). Invitae Evidence Modeling of protein sequence and biophysical properties (such as structural, functional, and spatial information, amino acid conservation, physicochemical variation, residue mobility, and thermodynamic stability) indicates that this missense variant is expected to disrupt POLD1 protein function with a positive predictive value of 80%. In summary, the available evidence is currently insufficient to determine the role of this variant in disease. Therefore, it has been classified as a Variant of Uncertain Significance.

Ambry Genetics
Classification: Uncertain significance for Hereditary cancer-predisposing syndrome. Last evaluated: 2025-02-09. Review status: criteria provided, single submitter. Criteria: Ambry Variant Classification Scheme 2023. Collection method: clinical testing. Allele origin: germline.
Comment: The p.L946P variant (also known as c.2837T>C), located in coding exon 22 of the POLD1 gene, results from a T to C substitution at nucleotide position 2837. The leucine at codon 946 is replaced by proline, an amino acid with similar properties. This amino acid position is conserved. In addition, the in silico prediction for this alteration is inconclusive. Based on the available evidence, the clinical significance of this variant remains unclear.